The following is an entry in ClinVar:

ClinVar aggregate classification (germline): Likely pathogenic (1 of 4 stars; one submission).

Conditions:
Autosomal recessive cutis laxa type 2B (ARCL2B). Also called: CUTIS LAXA, AUTOSOMAL RECESSIVE, TYPE IIB; CUTIS LAXA WITH PROGEROID FEATURES. Identifiers: Orphanet 357064, MedGen C2751987, MONDO:0013051, OMIM 612940. Disease mechanism: loss of function.

Submission:

3billion
Classification: Likely pathogenic for Autosomal recessive cutis laxa type 2B. Last evaluated: 2022-03-22. Review status: criteria provided, single submitter. Criteria: ACMG Guidelines, 2015. Collection method: clinical testing. Allele origin: germline. Affected: yes. Observed: 1 heterozygote.
Comment: A different missense change at the same codon has been reported as pathogenic/likely pathogenic with strong evidence (ClinVar ID: VCV000827793). In silico tool predictions suggest damaging effect of the variant on gene or gene product (REVEL: 0.914>=0.6). A missense variant is a common mechanism. It is not observed in the gnomAD v2.1.1 dataset. Therefore, this variant is classified as likely pathogenic according to the recommendation of ACMG/AMP guideline.

NM_006907.4(PYCR1):c.556G>T (p.Asp186Tyr)

Gene: PYCR1 (pyrroline-5-carboxylate reductase 1; minus strand). Cytogenetic location: 17q25.3.
Variant type: single nucleotide variant.
Coding change: c.556G>T on transcript NM_006907.4 (MANE Select); coding-DNA position 556, G replaced by T.
Protein change: p.Asp186Tyr; replaces aspartic acid 186 with tyrosine.
Molecular consequence: missense variant. On other transcripts: intron variant (1).
Genome position (GRCh38, 1-based): chr17:81,934,730, C>A on the plus strand (G>T on the coding strand, the complement: PYCR1 is on the minus strand). VCF-style: chr17-81934730-C-A. GRCh37 (hg19) VCF-style: chr17-79892606-C-A.
Other names: c.556G>T, p.Asp186Tyr (NM_001282280.2, NM_001330523.2, NM_153824.3); c.637G>T, p.Asp213Tyr (NM_001282281.2); c.540+196G>T (NM_001282279.2); short protein forms D186Y, D213Y.
Identifiers: ClinVar variation 1526245 (VCV001526245.1), dbSNP rs2143872369, ClinGen allele CA401537961.